The following is an entry in ClinVar:

NM_001278431.2(C1QTNF5):c.241G>A (p.Gly81Arg)

Genes: C1QTNF5 (C1q and TNF related 5; minus strand), MFRP (membrane frizzled-related protein; minus strand). Cytogenetic location: 11q23.3.
Variant type: single nucleotide variant.
Coding change: c.241G>A on transcript NM_001278431.2 (MANE Select); coding-DNA position 241, G replaced by A.
Protein change: p.Gly81Arg; replaces glycine 81 with arginine.
Molecular consequence: missense variant. On other transcripts: 3 prime UTR variant (1).
Genome position (GRCh38, 1-based): chr11:119,339,822, C>T on the plus strand (G>A on the coding strand, the complement: C1QTNF5 is on the minus strand). VCF-style: chr11-119339822-C-T. GRCh37 (hg19) VCF-style: chr11-119210532-C-T.
Other names: c.241G>A, p.Gly81Arg (NM_015645.5); c.*1137G>A (NM_031433.4); short protein forms G81R.
Identifiers: ClinVar variation 1928514 (VCV001928514.5), dbSNP rs1256466094, ClinGen allele CA382970108.
Genomic context (GRCh38, chr11:119,339,822, plus strand): 5'-GCACCGAGCACTCCCCGGCAGGCCCGGTGGGCCCCGCGGGTCCCGCCTCTCCTCGCGGCC[C>T]GGGGTCCCCTCGAGGTCCCGGCAGTCCTGCGGGGTAAGCGGGGCGGCAGGGTGAGAGTAG-3'
Protein context (NP_001265360.1, residues 71-91): PGLPGPRGDP[Gly81Arg]PRGEAGPAGP

ClinVar aggregate classification (germline): Uncertain significance (1 of 4 stars; one submission).

Allele frequency attached by ClinVar (database versions not stated): gnomAD 0.00001.
gnomAD v4.1: 3 of 1,515,120 alleles (0.0002%); highest among the groups gnomAD compares: African/African-American, 0.0028%; no homozygotes.

Submission:

Labcorp Genetics (formerly Invitae), Labcorp
Classification: Uncertain significance. Last evaluated: 2022-08-13. Review status: criteria provided, single submitter. Criteria: Invitae Variant Classification Sherloc (09022015). Collection method: clinical testing. Allele origin: germline.
Comment: In summary, the available evidence is currently insufficient to determine the role of this variant in disease. Therefore, it has been classified as a Variant of Uncertain Significance. Algorithms developed to predict the effect of missense changes on protein structure and function (SIFT, PolyPhen-2, Align-GVGD) all suggest that this variant is likely to be disruptive. This variant has not been reported in the literature in individuals affected with C1QTNF5-related conditions. The frequency data for this variant in the population databases is considered unreliable, as metrics indicate poor data quality at this position in the gnomAD database. This sequence change replaces glycine, which is neutral and non-polar, with arginine, which is basic and polar, at codon 81 of the C1QTNF5 protein (p.Gly81Arg).